The following is an entry in ClinVar:

NM_032634.4(PIGO):c.2309G>C (p.Gly770Ala)

Gene: PIGO (phosphatidylinositol glycan anchor biosynthesis class O; minus strand). Cytogenetic location: 9p13.3.
Variant type: single nucleotide variant.
Coding change: c.2309G>C on transcript NM_032634.4 (MANE Select); coding-DNA position 2309, G replaced by C.
Protein change: p.Gly770Ala; replaces glycine 770 with alanine.
Molecular consequence: missense variant. On other transcripts: intron variant (2).
Genome position (GRCh38, 1-based): chr9:35,091,578, C>G on the plus strand (G>C on the coding strand, the complement: PIGO is on the minus strand). VCF-style: chr9-35091578-C-G. GRCh37 (hg19) VCF-style: chr9-35091575-C-G.
Other names: c.1345-287G>C (NM_152850.4, NM_001201484.2); short protein forms G770A.
Identifiers: ClinVar variation 1994438 (VCV001994438.4), dbSNP rs1372605305, ClinGen allele CA373320273.

ClinVar aggregate classification (germline): Uncertain significance (1 of 4 stars; one submission).

Conditions:
Hyperphosphatasia with impaired intellectual development syndrome 2. Also called: GLYCOSYLPHOSPHATIDYLINOSITOL BIOSYNTHESIS DEFECT 6; Hyperphosphatasia with intellectual disability syndrome 2. Identifiers: Orphanet 247262, MedGen C3553637, MONDO:0013882, OMIM 614749.

Allele frequency attached by ClinVar (database versions not stated): gnomAD 0.00001.
gnomAD v4.1: 2 of 1,613,898 alleles (0.00012%); highest among the groups gnomAD compares: African/African-American, 0.0027%; no homozygotes.

Submission:

Labcorp Genetics (formerly Invitae), Labcorp
Classification: Uncertain significance for Hyperphosphatasia with impaired intellectual development syndrome 2. Last evaluated: 2022-05-14. Review status: criteria provided, single submitter. Criteria: Invitae Variant Classification Sherloc (09022015). Collection method: clinical testing. Allele origin: germline.
Comment: This sequence change replaces glycine, which is neutral and non-polar, with alanine, which is neutral and non-polar, at codon 770 of the PIGO protein (p.Gly770Ala). This variant is present in population databases (no rsID available, gnomAD 0.007%). This variant has not been reported in the literature in individuals affected with PIGO-related conditions. Algorithms developed to predict the effect of missense changes on protein structure and function output the following: SIFT: "Tolerated"; PolyPhen-2: "Benign"; Align-GVGD: "Class C0". The alanine amino acid residue is found in multiple mammalian species, which suggests that this missense change does not adversely affect protein function. In summary, the available evidence is currently insufficient to determine the role of this variant in disease. Therefore, it has been classified as a Variant of Uncertain Significance.